The following is an entry in ClinVar:

NM_001077365.2(POMT1):c.2142del (p.Arg713_Trp714insTer)

Gene: POMT1 (protein O-mannosyltransferase 1; plus strand). Cytogenetic location: 9q34.13.
Variant type: Deletion.
Coding change: c.2142del on transcript NM_001077365.2 (MANE Select); coding-DNA position 2142, one base deleted (G; older notation c.2142delG).
Protein change: p.Arg713_Trp714insTer.
Molecular consequence: nonsense. On other transcripts: non-coding transcript variant (10).
Genome position (GRCh38, 1-based): chr9:131,523,070, G deleted; the last of 2 consecutive G bases (chr9:131,523,069-131,523,070); deleting either gives the same sequence. VCF-style (leftmost placement, unchanged base first): chr9-131523068-TG-T. GRCh37 (hg19) VCF-style: chr9-134398455-TG-T.
Other names: c.1980del, p.Arg659_Trp660insTer (NM_001077366.2, NM_001353194.2); c.2142del, p.Arg713_Trp714insTer (NM_001136113.2); c.1791del, p.Arg596_Trp597insTer (NM_001136114.2, NM_001353195.2, NM_001374691.1 and 2 more transcripts); c.2208del, p.Arg735_Trp736insTer (NM_001353193.2, NM_007171.4); c.2052del, p.Arg683_Trp684insTer (NM_001353196.2); c.2046del, p.Arg681_Trp682insTer (NM_001353197.2, NM_001353198.2); c.1857del, p.Arg618_Trp619insTer (NM_001353199.2); c.1686del, p.Arg561_Trp562insTer (NM_001353200.2); and 4 more.
Identifiers: ClinVar variation 2678012 (VCV002678012.3), dbSNP rs2539514362, ClinGen allele CA1139532753.

ClinVar aggregate classification (germline): Pathogenic/Likely pathogenic. Review status: criteria provided, multiple submitters, no conflicts (2 of 4 stars). 2 submissions from 2 submitters: Pathogenic (1); Likely pathogenic (1). Last evaluated 2023-04-08.

Conditions:
Muscular dystrophy-dystroglycanopathy (congenital with brain and eye anomalies), type A1 (MDDGA1). Also called: COD-MD SYNDROME; Muscular dystrophy-dystroglycanopathy (congenital with brain and eye anomalies), type A, 1; WALKER-WARBURG SYNDROME OR MUSCLE-EYE-BRAIN DISEASE, POMT1-RELATED; Hydrocephalus, agyria and retinal dysplasia; Hard +/- E syndrome; Warburg syndrome. Identifiers: Orphanet 588, Orphanet 899, MedGen C4284790, MONDO:0009364, OMIM 236670.
Muscular dystrophy-dystroglycanopathy (congenital with impaired intellectual development), type B, 1. Also called: MUSCULAR DYSTROPHY, CONGENITAL, POMT1-RELATED; Muscular dystrophy-dystroglycanopathy (congenital with intellectual disability), type B1. Identifiers: MedGen C5436962, MONDO:0013159, OMIM 613155.
Autosomal recessive limb-girdle muscular dystrophy type 2K. Also called: MUSCULAR DYSTROPHY-DYSTROGLYCANOPATHY (LIMB-GIRDLE), TYPE C, 1; MUSCULAR DYSTROPHY, LIMB-GIRDLE, TYPE 2K. Identifiers: Orphanet 86812, MedGen C1836373, MONDO:0012248, OMIM 609308.

Submissions (2):

Baylor Genetics
Classification: Pathogenic for Muscular dystrophy-dystroglycanopathy (congenital with brain and eye anomalies), type A1. Last evaluated: 2023-04-08. Review status: criteria provided, single submitter. Criteria: ACMG Guidelines, 2015. Collection method: clinical testing. Allele origin: unknown.

Juno Genomics, Hangzhou Juno Genomics, Inc
Classification: Likely pathogenic for Muscular dystrophy-dystroglycanopathy (congenital with impaired intellectual development), type B, 1; Muscular dystrophy-dystroglycanopathy (congenital with brain and eye anomalies), type A1; Autosomal recessive limb-girdle muscular dystrophy type 2K. Review status: criteria provided, single submitter. Criteria: ACMG Guidelines, 2015. Collection method: clinical testing. Allele origin: germline.
Comment: Absent from controls (or at extremely low frequency if recessive) in Genome Aggregation Database.;Null variant in a gene where loss of function (LOF) is a known mechanism of disease.;For recessive disorders, detected in trans with a pathogenic variant.;Patient's phenotype or family history is highly specific for a disease with a single genetic etiology.